The following continues an entry in ClinVar:

NM_000038.6(APC):c.449A>G (p.Lys150Arg)

Gene: APC. ClinVar aggregate classification (germline): Conflicting classifications of pathogenicity. Uncertain significance (9); Likely benign (5).

Submissions 11 to 17 of 17:

Sema4
Classification: Uncertain significance for Hereditary cancer-predisposing syndrome. Last evaluated: 2021-11-01. Review status: criteria provided, single submitter. Criteria: Sema4 Curation Guidelines. Collection method: curation. Allele origin: germline.
Comment: The APC c.449A>G (p.K150R) variant has been reported in at least 2 individuals with colorectal adenoma (PMID: 18199528, 21859464). This variant is also reported in at least two individuals with sarcoma (PMID: 26580448, 34301788) and in at least one individual with breast cancer (PMID:28503720). It was observed in 4/127816 chromosomes of the Non-Finnish European (NFE) subpopulation in the large and broad cohorts of the Genome Aggregation Database (PMID: 32461654). This variant has been reported in ClinVar (Variation ID: 141928). In silico tools suggest the impact of the variant on protein function is deleterious, though these predictions have not been confirmed by functional studies. The overall evidence is insufficient to meet ACMG/AMP criteria for classifying the variant as benign or pathogenic. Thus, the clinical significance of this variant is currently uncertain.

St. Jude Molecular Pathology, St. Jude Children's Research Hospital
Classification: Uncertain significance for Familial adenomatous polyposis 1. Last evaluated: 2021-08-03. Review status: criteria provided, single submitter. Criteria: St. Jude Assertion Criteria 2020. Collection method: clinical testing. Allele origin: germline.

Ambry Genetics
Classification: Likely benign for Hereditary cancer-predisposing syndrome. Last evaluated: 2021-04-10. Review status: criteria provided, single submitter. Criteria: Ambry Variant Classification Scheme 2023. Collection method: clinical testing. Allele origin: germline.

Laboratory for Molecular Medicine, Mass General Brigham Personalized Medicine
Classification: Uncertain significance. Last evaluated: 2020-05-22. Review status: criteria provided, single submitter. Criteria: LMM Criteria. Collection method: clinical testing. Allele origin: germline. Observed: 1 variant allele.
Comment: proposed classification - variant undergoing re-assessment, contact laboratory

Counsyl
Classification: Uncertain significance for Familial adenomatous polyposis 1. Last evaluated: 2017-12-18. Review status: no assertion criteria provided. Collection method: clinical testing. Allele origin: unknown. Not counted in ClinVar's aggregate classification.

True Health Diagnostics
Classification: Uncertain significance for Hereditary cancer-predisposing syndrome. Last evaluated: 2017-09-25. Review status: no assertion criteria provided. Collection method: clinical testing. Allele origin: germline. Not counted in ClinVar's aggregate classification.

CSER _CC_NCGL, University of Washington
Classification: Uncertain significance for Colorectal adenoma. Last evaluated: 2014-06-01. Review status: no assertion criteria provided. Collection method: research. Allele origin: germline. Inheritance: Autosomal dominant inheritance. Study: ESP 6500 variant annotation. Not counted in ClinVar's aggregate classification.
Comment: Variants classified for the Actionable exomic incidental findings in 6503 participants: challenges of variant classification manuscript

Literature cited by the submitters: PubMed 21859464 (cited by 4 submitters); PubMed 18199528 (cited by 8 submitters); PubMed 28503720 (cited by 7 submitters); PubMed 26580448 (cited by 5 submitters); PubMed 34301788 (cited by 3 submitters); PubMed 27153395 (cited by Quest Diagnostics Nichols Institute San Juan Capistrano); PubMed 30311378 (cited by Quest Diagnostics Nichols Institute San Juan Capistrano); PubMed 30122538 (cited by Quest Diagnostics Nichols Institute San Juan Capistrano); PubMed 31422818 (cited by Quest Diagnostics Nichols Institute San Juan Capistrano); PubMed 31703728 (cited by Quest Diagnostics Nichols Institute San Juan Capistrano); PubMed 32277542 (cited by Quest Diagnostics Nichols Institute San Juan Capistrano); PubMed 35739269 (cited by Quest Diagnostics Nichols Institute San Juan Capistrano); PubMed 25637381 (cited by Quest Diagnostics Nichols Institute San Juan Capistrano and Ambry Genetics); PubMed 18166348 (cited by Center for Genomic Medicine, Rigshospitalet, Copenhagen University Hospital); PubMed 11257105 (cited by Ambry Genetics); PubMed 16454848 (cited by Ambry Genetics); PubMed 27535533 (cited by Ambry Genetics).